The following is an entry in ClinVar:

ClinVar aggregate classification (germline): Benign/Likely benign. Review status: criteria provided, multiple submitters, no conflicts (2 of 4 stars). 4 submissions from 4 submitters: Benign (3); Likely benign (1). Last evaluated 2026-01-21.

Conditions:
Long QT syndrome (LQTS). Identifiers: MedGen C0023976, MeSH D008133, MONDO:0002442. Disease mechanism: loss of function. Inheritance: Various modes of inheritance.

Allele frequency attached by ClinVar (database versions not stated): ESP Exome Variant Server 0.00008; gnomAD 0.00014; TOPMed 0.00014; gnomAD exomes 0.00015 and 0.00025; ExAC 0.00033.
gnomAD v4.1: 254 of 1,605,766 alleles (0.016%); highest among the groups gnomAD compares: Middle Eastern, 0.083%; 3 homozygotes.

Submissions (4):

Labcorp Genetics (formerly Invitae), Labcorp
Classification: Benign for Long QT syndrome. Last evaluated: 2026-01-21. Review status: criteria provided, single submitter. Criteria: Invitae Variant Classification Sherloc (09022015). Collection method: clinical testing. Allele origin: germline.

Blueprint Genetics
Classification: Likely benign. Last evaluated: 2024-09-17. Review status: criteria provided, single submitter. Criteria: ACMG Guidelines, 2015. Collection method: clinical testing. Allele origin: germline.

Women's Health and Genetics/Laboratory Corporation of America, LabCorp
Classification: Benign. Last evaluated: 2023-10-01. Review status: criteria provided, single submitter. Criteria: LabCorp Variant Classification Summary - May 2015. Collection method: clinical testing. Allele origin: germline.

GeneDx
Classification: Benign. Last evaluated: 2013-10-30. Review status: criteria provided, single submitter. Criteria: GeneDx Variant Classification (06012015). Collection method: clinical testing. Allele origin: germline. Affected: yes.
Comment: This variant is considered likely benign or benign based on one or more of the following criteria: it is a conservative change, it occurs at a poorly conserved position in the protein, it is predicted to be benign by multiple in silico algorithms, and/or has population frequency not consistent with disease.

NM_000719.7(CACNA1C):c.3209+12T>C

Gene: CACNA1C (calcium voltage-gated channel subunit alpha1 C; plus strand). Cytogenetic location: 12p13.33.
Variant type: single nucleotide variant.
Coding change: c.3209+12T>C on transcript NM_000719.7 (MANE Select); 12 bases into the intron after coding-DNA position 3209, T replaced by C.
Molecular consequence: intron variant.
Genome position (GRCh38, 1-based): chr12:2,606,675, T>C. VCF-style: chr12-2606675-T-C. GRCh37 (hg19) VCF-style: chr12-2715841-T-C.
Other names: c.3209+12T>C (NM_001167624.3, NM_001167623.2, NM_001167625.2 and 15 more transcripts); c.3269+12T>C (NM_199460.4, NM_001129827.2, NM_001129832.2); c.3200+12T>C (NM_001129844.2).
Identifiers: ClinVar variation 136621 (VCV000136621.11), dbSNP rs372982213, ClinGen allele CA289840.